The following is an entry in ClinVar:

ClinVar aggregate classification (germline): Likely benign. Review status: criteria provided, multiple submitters, no conflicts (2 of 4 stars). 3 submissions from 3 submitters: Likely benign (2). 1 of the submissions does not count toward it. Last evaluated 2018-07-21.

Allele frequency attached by ClinVar (database versions not stated): gnomAD exomes 0.00393; ExAC 0.00502; ESP Exome Variant Server 0.01397; gnomAD 0.01429 and 0.01515; TOPMed 0.01608; 1000 Genomes Project 30x 0.01811; 1000 Genomes Project 0.01817.
gnomAD v4.1: 3,949 of 1,328,754 alleles (0.3%); highest among the groups gnomAD compares: African/African-American, 5.2%; 113 homozygotes.

Submissions (3):

GeneDx
Classification: Likely benign. Last evaluated: 2018-07-21. Review status: criteria provided, single submitter. Criteria: GeneDx Variant Classification Process June 2021. Collection method: clinical testing. Allele origin: germline. Affected: yes.

Breakthrough Genomics
Classification: Likely benign. Review status: criteria provided, single submitter. Criteria: ACMG Guidelines, 2015. Collection method: not provided. Allele origin: germline. Inheritance: Autosomal recessive inheritance. Affected: yes.

Genetic Services Laboratory, University of Chicago
Classification: Likely benign. Review status: no assertion criteria provided. Collection method: clinical testing. Allele origin: germline. Inheritance: Autosomal recessive inheritance. Not counted in ClinVar's aggregate classification.
Comment: Likely benign based on allele frequency in 1000 Genomes Project or ESP global frequency and its presence in a patient with a rare or unrelated disease phenotype. NOT Sanger confirmed

NM_001384732.1(CPLANE1):c.5571-40C>G

Gene: CPLANE1 (ciliogenesis and planar polarity effector complex subunit 1; minus strand). Cytogenetic location: 5p13.2.
Variant type: single nucleotide variant.
Coding change: c.5571-40C>G on transcript NM_001384732.1 (MANE Select); 40 bases into the intron before coding-DNA position 5571, C replaced by G.
Molecular consequence: intron variant.
Genome position (GRCh38, 1-based): chr5:37,180,223, G>C on the plus strand (C>G on the coding strand, the complement: CPLANE1 is on the minus strand). VCF-style: chr5-37180223-G-C. GRCh37 (hg19) VCF-style: chr5-37180325-G-C.
Other names: c.5571-40C>G (NM_023073.4).
Identifiers: ClinVar variation 158043 (VCV000158043.10), dbSNP rs10472284, ClinGen allele CA171449.